The following is an entry in ClinVar:

NM_001199138.2(NLRC4):c.1021G>C (p.Val341Leu)

Gene: NLRC4 (NLR family CARD domain containing 4; minus strand). Cytogenetic location: 2p22.3.
Variant type: single nucleotide variant.
Coding change: c.1021G>C on transcript NM_001199138.2 (MANE Select); coding-DNA position 1021, G replaced by C.
Protein change: p.Val341Leu; replaces valine 341 with leucine.
Molecular consequence: missense variant. On other transcripts: intron variant (1).
Genome position (GRCh38, 1-based): chr2:32,250,843, C>G on the plus strand (G>C on the coding strand, the complement: NLRC4 is on the minus strand). VCF-style: chr2-32250843-C-G. GRCh37 (hg19) VCF-style: chr2-32475912-C-G.
Other names: c.1021G>C, p.Val341Leu (NM_001199139.2, NM_021209.5); c.262+1576G>C (NM_001302504.1); short protein forms V341L.
Identifiers: ClinVar variation 989330 (VCV000989330.7), dbSNP rs1687057544, ClinGen allele CA346513746.

ClinVar aggregate classification (germline): Pathogenic. Review status: criteria provided, multiple submitters, no conflicts (2 of 4 stars). 2 submissions from 2 submitters: Pathogenic (2). Last evaluated 2019-04-18.

Conditions:
Periodic fever-infantile enterocolitis-autoinflammatory syndrome. Also called: Autoinflammation with infantile enterocolitis. Identifiers: Orphanet 436166, MedGen C4015067, MONDO:0014472, OMIM 616050.

Submissions (2):

Illumina Laboratory Services, Illumina
Classification: Pathogenic for Periodic fever-infantile enterocolitis-autoinflammatory syndrome. Last evaluated: 2019-04-18. Review status: criteria provided, single submitter. Criteria: ICSLVariantClassificationCriteria RUGD 01 April 2020. Collection method: clinical testing. Allele origin: unknown.
Comment: The NLRC4 c.1021G>C (p.Val341Leu) variant is a missense variant that has been described in a heterozygous, de novo state in one infant with neonatal onset of symptoms consistent with an NLRC4-related autoimmune syndrome, including recurrent fever, hepatosplenomegaly, anemia, rash, rectal inflammation, metabolic acidosis, thrombocytopenia, and other hematological abnormalities (Barsalou et al. 2018). The p.Val341Leu variant is absent from the Genome Aggregation Database in a region of good sequence coverage so the variant is presumed to be rare. The variant occurs within the nucleotide binding domain, the region in which most causative variants have been identified. Another amino acid change at the same position, p.Val341Ala, has also been reported as pathogenic (Romberg et al. 2014; Siahanidou et al. 2019). Evaluation of monocyte-derived macrophages from one of the individuals carrying the p.Val341Leu variant showed high levels of IL-1Î² and IL-18 secretion constitutively and in response to stimulation (Barsalou et al. 2018), consistent with a gain-of-function effect and similar to the functional effects of other reported variants. Based on the collective evidence, the p.Val341Leu variant is classified as pathogenic for NLRC4-related autoinflammatory syndrome.

GeneDx
Classification: Pathogenic. Last evaluated: 2019-03-20. Review status: criteria provided, single submitter. Criteria: GeneDx Variant Classification Process June 2021. Collection method: clinical testing. Allele origin: germline. Affected: yes.
Comment: Not observed in large population cohorts (Lek et al., 2016); In silico analysis, which includes protein predictors and evolutionary conservation, supports that this variant does not alter protein structure/function; This variant is associated with the following publications: (PMID: 30319625)

Literature cited by the submitters: PubMed 25217960 (cited by Illumina Laboratory Services, Illumina); PubMed 30319625 (cited by Illumina Laboratory Services, Illumina); PubMed 30864118 (cited by Illumina Laboratory Services, Illumina).